The following is an entry in ClinVar:

NM_014502.5(PRPF19):c.1379A>T (p.Tyr460Phe)

Gene: PRPF19 (pre-mRNA processing factor 19; minus strand). Cytogenetic location: 11q12.2.
Variant type: single nucleotide variant.
Coding change: c.1379A>T on transcript NM_014502.5 (MANE Select); coding-DNA position 1379, A replaced by T.
Protein change: p.Tyr460Phe; replaces tyrosine 460 with phenylalanine.
Molecular consequence: missense variant.
Genome position (GRCh38, 1-based): chr11:60,897,884, T>A on the plus strand (A>T on the coding strand, the complement: PRPF19 is on the minus strand). VCF-style: chr11-60897884-T-A. GRCh37 (hg19) VCF-style: chr11-60665356-T-A.
Other names: short protein forms Y460F.
Identifiers: ClinVar variation 4838699 (VCV004838699.1).

ClinVar aggregate classification (germline): Uncertain significance (1 of 4 stars; one submission).

Conditions:
Inborn genetic diseases. Identifiers: MedGen C0950123, MeSH D030342.

gnomAD v4.1: 1 of 1,614,214 alleles (0.000062%); highest among the groups gnomAD compares: Non-Finnish European, 0.000085%; no homozygotes.

Submission:

Ambry Genetics
Classification: Uncertain significance for Inborn genetic diseases. Last evaluated: 2025-12-30. Review status: criteria provided, single submitter. Criteria: Ambry Variant Classification Scheme 2023. Collection method: clinical testing. Allele origin: germline.
Comment: The c.1379A>T (p.Y460F) alteration is located in exon 15 (coding exon 15) of the PRPF19 gene. This alteration results from a A to T substitution at nucleotide position 1379, causing the tyrosine (Y) at amino acid position 460 to be replaced by a phenylalanine (F). Based on data from gnomAD, the T allele has an overall frequency of <0.001% (1/251470) total alleles studied. The highest observed frequency was 0.001% (1/113756) of European (non-Finnish) alleles. Based on insufficient or conflicting evidence, the clinical significance of this alteration remains unclear.